The following is an entry in ClinVar:

NM_015030.2(FRYL):c.491G>C (p.Gly164Ala)

Gene: FRYL (FRY like transcription coactivator; minus strand). Cytogenetic location: 4p11.
Variant type: single nucleotide variant.
Coding change: c.491G>C on transcript NM_015030.2 (MANE Select); coding-DNA position 491, G replaced by C.
Protein change: p.Gly164Ala; replaces glycine 164 with alanine.
Molecular consequence: missense variant.
Genome position (GRCh38, 1-based): chr4:48,609,744, C>G on the plus strand (G>C on the coding strand, the complement: FRYL is on the minus strand). VCF-style: chr4-48609744-C-G. GRCh37 (hg19) VCF-style: chr4-48611761-C-G.
Other names: short protein forms G164A.
Identifiers: ClinVar variation 5008215 (VCV005008215.1).
Genomic context (GRCh38, chr4:48,609,744, plus strand): 5'-AAATAGTCTAGACCTGGATTGCAAAAAAAGGCAACAATCCCAAGTTAGTATTTTACTTAC[C>G]CTTCCTTATGTTTAAAGTGCTTAAAAGCTAAGTTTAGAACTTCATGAACTAAGGGATCGG-3'
Protein context (NP_055845.1, residues 154-174): LAFKHFKHKE[Gly164Ala]YSGTNTGNVH

ClinVar aggregate classification (germline): Uncertain significance (1 of 4 stars; one submission).

Submission:

GeneDx
Classification: Uncertain significance. Last evaluated: 2026-03-16. Review status: criteria provided, single submitter. Criteria: GeneDx Variant Classification Process June 2021. Collection method: clinical testing. Allele origin: germline.
Comment: Not observed at significant frequency in large population cohorts (gnomAD); In silico analysis supports that this missense variant has a deleterious effect on protein structure/function; Has not been previously published as pathogenic or benign to our knowledge; In silico analysis is inconclusive as to whether the variant alters gene splicing. In the absence of RNA/functional studies, the actual effect of this sequence change is unknown.